The following is an entry in ClinVar:

ClinVar aggregate classification (germline): Pathogenic/Likely pathogenic. Review status: criteria provided, multiple submitters, no conflicts (2 of 4 stars). 3 submissions from 3 submitters: Pathogenic (2); Likely pathogenic (1). Last evaluated 2024-05-20.

Conditions:
Retinoblastoma (RB1). Also called: RETINOBLASTOMA, SOMATIC. Identifiers: Orphanet 790, MedGen C0035335, MeSH D012175, MONDO:0008380, OMIM 180200, HP:0009919. Disease mechanism: loss of function. Inheritance: Both sporadic and heritable forms are tested..

Submissions (3):

Genetic Diagnostic Laboratory, University of Pennsylvania School of Medicine
Classification: Pathogenic for Retinoblastoma. Last evaluated: 2024-05-20. Review status: criteria provided, single submitter. Criteria: ACMG Guidelines, 2015. Collection method: clinical testing. Allele origin: germline. Affected: yes. Observed: 1 variant allele.
Comment: Case and Pedigree Information: BILATERAL CASES:1, UNILATERAL CASES:0, TOTAL CASES:1, PEDIGREES:1. ACMG Codes Applied:PM2

Labcorp Genetics (formerly Invitae), Labcorp
Classification: Pathogenic for Retinoblastoma. Last evaluated: 2016-08-03. Review status: criteria provided, single submitter. Criteria: Invitae Variant Classification Sherloc (09022015). Collection method: clinical testing. Allele origin: germline.
Comment: For these reasons, this variant has been classified as Pathogenic. Experimental studies have reported that this variant creates a cryptic acceptor site in intron 17, which inserts 11 nucleotides of intronic sequence into the transcript, resulting in a frameshift and a premature truncation (PMID: 18181215). This variant has been reported in individuals affected with bilateral retinoblastoma (PMID: 18181215, 21520333, Invitae Database). This variant is also known as IVS17-12 T>G in the literature. This variant is not present in population databases (ExAC no frequency). This sequence change falls in intron 17 of the RB1 mRNA. It does not directly change the encoded amino acid sequence of the RB1 protein.

Department of Pathology and Laboratory Medicine, Sinai Health System
Classification: Likely pathogenic for retinoblastoma. Review status: criteria provided, single submitter. Criteria: ACMG Guidelines, 2015. Collection method: clinical testing. Allele origin: germline.

Literature cited by the submitters: PubMed 18181215 (cited by Labcorp Genetics (formerly Invitae), Labcorp); PubMed 21520333 (cited by Labcorp Genetics (formerly Invitae), Labcorp).

NM_000321.3(RB1):c.1696-12T>G

Gene: RB1 (RB transcriptional corepressor 1; plus strand). Cytogenetic location: 13q14.2.
Variant type: single nucleotide variant.
Coding change: c.1696-12T>G on transcript NM_000321.3 (MANE Select); 12 bases into the intron before coding-DNA position 1696, T replaced by G.
Molecular consequence: intron variant.
Genome position (GRCh38, 1-based): chr13:48,452,981, T>G. VCF-style: chr13-48452981-T-G. GRCh37 (hg19) VCF-style: chr13-49027117-T-G.
Identifiers: ClinVar variation 410940 (VCV000410940.10), dbSNP rs1060503088, ClinGen allele CA16614016.